The following is an entry in ClinVar:

ClinVar aggregate classification (germline): Uncertain significance (1 of 4 stars; one submission).

Conditions:
Progressive sclerosing poliodystrophy (MTDPS4A). Also called: Mitochondrial DNA depletion syndrome 4A (Alpers type); ALPERS PROGRESSIVE INFANTILE POLIODYSTROPHY; NEURONAL DEGENERATION OF CHILDHOOD WITH LIVER DISEASE, PROGRESSIVE; Mitochondrial DNA Depletion Syndrome 4A; Alpers-Huttenlocher Syndrome (AHS); Alpers Syndrome. Identifiers: Orphanet 726, MedGen C0205710, MONDO:0008758, OMIM 203700.

Submission:

Labcorp Genetics (formerly Invitae), Labcorp
Classification: Uncertain significance for Progressive sclerosing poliodystrophy. Last evaluated: 2021-11-12. Review status: criteria provided, single submitter. Criteria: Invitae Variant Classification Sherloc (09022015). Collection method: clinical testing. Allele origin: germline.
Comment: In summary, the available evidence is currently insufficient to determine the role of this variant in disease. Therefore, it has been classified as a Variant of Uncertain Significance. Algorithms developed to predict the effect of missense changes on protein structure and function are either unavailable or do not agree on the potential impact of this missense change (SIFT: "Deleterious"; PolyPhen-2: "Benign"; Align-GVGD: "Class C0"). This variant has not been reported in the literature in individuals affected with POLG-related conditions. This variant is not present in population databases (gnomAD no frequency). This sequence change replaces glutamine, which is neutral and polar, with histidine, which is basic and polar, at codon 44 of the POLG protein (p.Gln44His).

NM_002693.3(POLG):c.132G>T (p.Gln44His)

Genes: POLG (DNA polymerase gamma, catalytic subunit; minus strand), POLGARF (POLG alternative reading frame; minus strand). Cytogenetic location: 15q26.1.
Variant type: single nucleotide variant.
Coding change: c.132G>T on transcript NM_002693.3 (MANE Select); coding-DNA position 132, G replaced by T.
Protein change: p.Gln44His; replaces glutamine 44 with histidine.
Molecular consequence: missense variant.
Genome position (GRCh38, 1-based): chr15:89,333,623, C>A on the plus strand (G>T on the coding strand, the complement: POLG is on the minus strand). VCF-style: chr15-89333623-C-A. GRCh37 (hg19) VCF-style: chr15-89876854-C-A.
Other names: c.132G>T, p.Gln44His (NM_001126131.2); short protein forms Q44H.
Identifiers: ClinVar variation 1392856 (VCV001392856.6), dbSNP rs1596362738, ClinGen allele CA393774490.
Genomic context (GRCh38, chr15:89,333,623, plus strand): 5'-CGAGGATAGCACTTGCGGCTGCTGAGGCTGCTGTTGCTGCTGCTGCTGCTGCTGCTGCTG[C>A]TGCTGCCGCCGCCGCTGCCCGTCGCTGGGGTCGGACGCGGGGACGGAGCTGGAGACCCAG-3'
Protein context (NP_002684.1, residues 34-54): DPSDGQRRRQ[Gln44His]QQQQQQQQQQ